The following is an entry in ClinVar:

ClinVar aggregate classification (germline): Likely benign. Review status: criteria provided, multiple submitters, no conflicts (2 of 4 stars). 3 submissions from 3 submitters: Likely benign (3). Last evaluated 2025-09-16.

Conditions:
DICER1-related tumor predisposition. Also called: DICER1-related pleuropulmonary blastoma cancer predisposition syndrome; DICER1 syndrome. Identifiers: Orphanet 284343, MedGen C3839822, MONDO:0100216.

Allele frequency attached by ClinVar (database versions not stated): gnomAD 0.00001; TOPMed 0.00001; ExAC 0.00002; gnomAD exomes 0.00002.
gnomAD v4.1: 28 of 1,612,876 alleles (0.0017%); highest among the groups gnomAD compares: Non-Finnish European, 0.0024%; no homozygotes.

Submissions (3):

Labcorp Genetics (formerly Invitae), Labcorp
Classification: Likely benign for DICER1-related tumor predisposition. Last evaluated: 2025-09-16. Review status: criteria provided, single submitter. Criteria: Invitae Variant Classification Sherloc (09022015). Collection method: clinical testing. Allele origin: germline.

Center for Genomic Medicine, Rigshospitalet, Copenhagen University Hospital
Classification: Likely benign. Last evaluated: 2025-03-04. Review status: criteria provided, single submitter. Criteria: ACMG Guidelines, 2015. Collection method: clinical testing. Allele origin: germline.

GeneDx
Classification: Likely benign. Last evaluated: 2017-06-22. Review status: criteria provided, single submitter. Criteria: GeneDx Variant Classification (06012015). Collection method: clinical testing. Allele origin: germline. Affected: yes.
Comment: This variant is considered likely benign or benign based on one or more of the following criteria: it is a conservative change, it occurs at a poorly conserved position in the protein, it is predicted to be benign by multiple in silico algorithms, and/or has population frequency not consistent with disease.

NM_177438.3(DICER1):c.2257-13T>A

Gene: DICER1 (dicer 1, ribonuclease III; minus strand). Cytogenetic location: 14q32.13.
Variant type: single nucleotide variant.
Coding change: c.2257-13T>A on transcript NM_177438.3 (MANE Select); 13 bases into the intron before coding-DNA position 2257, T replaced by A.
Molecular consequence: intron variant.
Genome position (GRCh38, 1-based): chr14:95,108,516, A>T on the plus strand (T>A on the coding strand, the complement: DICER1 is on the minus strand). VCF-style: chr14-95108516-A-T. GRCh37 (hg19) VCF-style: chr14-95574853-A-T.
Other names: c.2257-13T>A (NM_001291628.2, NM_030621.4, NM_001271282.3 and 1 more transcripts).
Identifiers: ClinVar variation 518134 (VCV000518134.19), dbSNP rs765918712, ClinGen allele CA7331264.